The following is an entry in ClinVar:

ClinVar aggregate classification (germline): Uncertain significance. Review status: criteria provided, multiple submitters, no conflicts (2 of 4 stars). 2 submissions from 2 submitters: Uncertain significance (2). Last evaluated 2021-11-09.

Conditions:
Cardiovascular phenotype. Identifiers: MedGen CN230736.
Brugada syndrome 4 (BRGDA4). Identifiers: Orphanet 130, MedGen C2678477, MONDO:0012743, OMIM 611876.

Allele frequency attached by ClinVar (database versions not stated): ExAC 0.00002; gnomAD 0.00003 and 0.00004.
gnomAD v4.1: 36 of 1,613,828 alleles (0.0022%); highest among the groups gnomAD compares: African/African-American, 0.0027%; no homozygotes.

Submissions (2):

Ambry Genetics
Classification: Uncertain significance for Cardiovascular phenotype. Last evaluated: 2021-11-09. Review status: criteria provided, single submitter. Criteria: Ambry Variant Classification Scheme 2023. Collection method: clinical testing. Allele origin: germline.
Comment: The p.R509G variant (also known as c.1525C>G), located in coding exon 13 of the CACNB2 gene, results from a C to G substitution at nucleotide position 1525. The arginine at codon 509 is replaced by glycine, an amino acid with dissimilar properties. This amino acid position is conserved. In addition, this alteration is predicted to be deleterious by in silico analysis. Since supporting evidence is limited at this time, the clinical significance of this alteration remains unclear.

Labcorp Genetics (formerly Invitae), Labcorp
Classification: Uncertain significance for Brugada syndrome 4. Last evaluated: 2021-05-30. Review status: criteria provided, single submitter. Criteria: Invitae Variant Classification Sherloc (09022015). Collection method: clinical testing. Allele origin: germline.
Comment: In summary, this variant is a rare missense change with uncertain impact on protein function. There is no indication that it causes disease, but the available evidence is currently insufficient to prove that conclusively. Therefore, it has been classified as a Variant of Uncertain Significance. Algorithms developed to predict the effect of missense changes on protein structure and function do not agree on the potential impact of this missense change (SIFT: "Deleterious"; PolyPhen-2: "Probably Damaging"; Align-GVGD: "Class C0"). This variant is present in population databases (rs760811952, ExAC 0.03%) but has not been reported in the literature in individuals with a CACNB2-related disease. This sequence change replaces arginine with glycine at codon 509 of the CACNB2 protein (p.Arg509Gly). The arginine residue is moderately conserved and there is a moderate physicochemical difference between arginine and glycine.

NM_201596.3(CACNB2):c.1687C>G (p.Arg563Gly)

Gene: CACNB2 (calcium voltage-gated channel auxiliary subunit beta 2; plus strand). Cytogenetic location: 10p12.31.
Variant type: single nucleotide variant.
Coding change: c.1687C>G on transcript NM_201596.3 (MANE Select); coding-DNA position 1687, C replaced by G.
Protein change: p.Arg563Gly; replaces arginine 563 with glycine.
Molecular consequence: missense variant.
Genome position (GRCh38, 1-based): chr10:18,539,428, C>G. VCF-style: chr10-18539428-C-G. GRCh37 (hg19) VCF-style: chr10-18828357-C-G.
Other names: c.1522C>G, p.Arg508Gly (NM_000724.4); c.1489C>G, p.Arg497Gly (NM_001167945.2); c.1408C>G, p.Arg470Gly (NM_001330060.2); c.1543C>G, p.Arg515Gly (NM_201570.3); c.1603C>G, p.Arg535Gly (NM_201571.4); c.1531C>G, p.Arg511Gly (NM_201572.4); c.1525C>G, p.Arg509Gly (NM_201590.3); c.1573C>G, p.Arg525Gly (NM_201593.3); and 1 more; short protein forms R508G, R497G, R525G, R509G, R515G, R535G, R539G, R470G.
Identifiers: ClinVar variation 1399519 (VCV001399519.10), dbSNP rs760811952, ClinGen allele CA5430128.
Genomic context (GRCh38, chr10:18,539,428, plus strand): 5'-AGTGGGACAAGTCGCGGCCTCTCCAGGCAAGAGACATTTGACTCGGAAACCCAGGAGAGT[C>G]GAGACTCTGCCTACGTAGAGCCAAAGGAAGATTATTCCCATGACCACGTGGACCACTATG-3'
Protein context (NP_963890.2, residues 553-573): ETFDSETQES[Arg563Gly]DSAYVEPKED